The following is an entry in ClinVar:

NM_001194998.2(CEP152):c.1874A>C (p.Lys625Thr)

Gene: CEP152 (centrosomal protein 152; minus strand). Cytogenetic location: 15q21.1.
Variant type: single nucleotide variant.
Coding change: c.1874A>C on transcript NM_001194998.2 (MANE Select); coding-DNA position 1874, A replaced by C.
Protein change: p.Lys625Thr; replaces lysine 625 with threonine.
Molecular consequence: missense variant.
Genome position (GRCh38, 1-based): chr15:48,768,990, T>G on the plus strand (A>C on the coding strand, the complement: CEP152 is on the minus strand). VCF-style: chr15-48768990-T-G. GRCh37 (hg19) VCF-style: chr15-49061187-T-G.
Other names: c.1874A>C, p.Lys625Thr (NM_014985.4); short protein forms K625T.
Identifiers: ClinVar variation 1971672 (VCV001971672.4), dbSNP rs1341694907, ClinGen allele CA392350694.

ClinVar aggregate classification (germline): Uncertain significance (1 of 4 stars; one submission).

Allele frequency attached by ClinVar (database versions not stated): gnomAD exomes below 0.00001.
gnomAD v4.1: 2 of 1,580,846 alleles (0.00013%); highest among the groups gnomAD compares: Admixed American, 0.0017%; no homozygotes.

Submission:

Labcorp Genetics (formerly Invitae), Labcorp
Classification: Uncertain significance. Last evaluated: 2024-02-17. Review status: criteria provided, single submitter. Criteria: Invitae Variant Classification Sherloc (09022015). Collection method: clinical testing. Allele origin: germline.
Comment: This sequence change replaces lysine, which is basic and polar, with threonine, which is neutral and polar, at codon 625 of the CEP152 protein (p.Lys625Thr). This variant is not present in population databases (gnomAD no frequency). This variant has not been reported in the literature in individuals affected with CEP152-related conditions. ClinVar contains an entry for this variant (Variation ID: 1971672). Advanced modeling of protein sequence and biophysical properties (such as structural, functional, and spatial information, amino acid conservation, physicochemical variation, residue mobility, and thermodynamic stability) performed at Invitae indicates that this missense variant is not expected to disrupt CEP152 protein function with a negative predictive value of 80%. In summary, the available evidence is currently insufficient to determine the role of this variant in disease. Therefore, it has been classified as a Variant of Uncertain Significance.